The following is an entry in ClinVar:

NM_004447.6(EPS8):c.2104C>T (p.Arg702Trp)

Gene: EPS8 (EGFR pathway substrate 8, signaling adaptor; minus strand). Cytogenetic location: 12p12.3.
Variant type: single nucleotide variant.
Coding change: c.2104C>T on transcript NM_004447.6 (MANE Select); coding-DNA position 2104, C replaced by T.
Protein change: p.Arg702Trp; replaces arginine 702 with tryptophan.
Molecular consequence: missense variant.
Genome position (GRCh38, 1-based): chr12:15,624,348, G>A on the plus strand (C>T on the coding strand, the complement: EPS8 is on the minus strand). VCF-style: chr12-15624348-G-A. GRCh37 (hg19) VCF-style: chr12-15777282-G-A.
Other names: c.2104C>T (NM_004447.5); short protein forms R702W.
Identifiers: ClinVar variation 1409590 (VCV001409590.9), dbSNP rs201426875, ClinGen allele CA6467356.

ClinVar aggregate classification (germline): Uncertain significance. Review status: criteria provided, multiple submitters, no conflicts (2 of 4 stars). 4 submissions from 4 submitters: Uncertain significance (4). Last evaluated 2026-04-27.

Conditions:
Inborn genetic diseases. Identifiers: MedGen C0950123, MeSH D030342.
EPS8-related disorder. Also called: EPS8-related condition.
Autosomal recessive nonsyndromic hearing loss 102. Also called: Deafness, autosomal recessive 102. Identifiers: Orphanet 90636, MedGen C3892050, MONDO:0014428, OMIM 615974.

Allele frequency attached by ClinVar (database versions not stated): gnomAD 0.00001 and 0.00003; gnomAD exomes 0.00003 and 0.00009; TOPMed 0.00008; ExAC 0.00009; 1000 Genomes Project 0.00020; 1000 Genomes Project 30x 0.00031.
gnomAD v4.1: 42 of 1,607,834 alleles (0.0026%); highest among the groups gnomAD compares: Admixed American, 0.057%; no homozygotes.

Submissions (4):

PreventionGenetics, part of Exact Sciences
Classification: Uncertain significance for EPS8-related condition. Last evaluated: 2026-04-27. Review status: criteria provided, single submitter. Criteria: ACMG Guidelines, 2015. Collection method: clinical testing. Allele origin: germline.
Comment: The EPS8 c.2104C>T variant is predicted to result in the amino acid substitution p.Arg702Trp. To our knowledge, this variant has not been reported in the literature. This variant is reported in 0.068% of alleles in individuals of Latino descent in gnomAD. Although we suspect that this variant may be benign, at this time, the clinical significance of this variant is uncertain due to the absence of conclusive functional and genetic evidence.

Ambry Genetics
Classification: Uncertain significance for Inborn genetic diseases. Last evaluated: 2024-08-27. Review status: criteria provided, single submitter. Criteria: Ambry Variant Classification Scheme 2023. Collection method: clinical testing. Allele origin: germline.

Labcorp Genetics (formerly Invitae), Labcorp
Classification: Uncertain significance. Last evaluated: 2021-09-17. Review status: criteria provided, single submitter. Criteria: Invitae Variant Classification Sherloc (09022015). Collection method: clinical testing. Allele origin: germline.
Comment: This sequence change replaces arginine with tryptophan at codon 702 of the EPS8 protein (p.Arg702Trp). The arginine residue is moderately conserved and there is a moderate physicochemical difference between arginine and tryptophan. This variant is present in population databases (rs201426875, ExAC 0.1%). This variant has not been reported in the literature in individuals affected with EPS8-related conditions. Algorithms developed to predict the effect of missense changes on protein structure and function are either unavailable or do not agree on the potential impact of this missense change (SIFT: "Deleterious"; PolyPhen-2: "Probably Damaging"; Align-GVGD: "Class C0"). In summary, the available evidence is currently insufficient to determine the role of this variant in disease. Therefore, it has been classified as a Variant of Uncertain Significance.

Revvity Omics, Revvity
Classification: Uncertain significance for Autosomal recessive nonsyndromic hearing loss 102. Last evaluated: 2019-10-03. Review status: criteria provided, single submitter. Criteria: ACMG Guidelines, 2015. Collection method: clinical testing. Allele origin: germline.